The following is an entry in ClinVar:

NM_001113378.2(FANCI):c.2018A>G (p.His673Arg)

Gene: FANCI (FA complementation group I; plus strand). Cytogenetic location: 15q26.1.
Variant type: single nucleotide variant.
Coding change: c.2018A>G on transcript NM_001113378.2 (MANE Select); coding-DNA position 2018, A replaced by G.
Protein change: p.His673Arg; replaces histidine 673 with arginine.
Molecular consequence: missense variant.
Genome position (GRCh38, 1-based): chr15:89,292,713, A>G. VCF-style: chr15-89292713-A-G. GRCh37 (hg19) VCF-style: chr15-89835944-A-G.
Other names: c.1739A>G, p.His580Arg (NM_001376910.1); c.2018A>G, p.His673Arg (NM_001376911.1, NM_018193.3); short protein forms H580R, H673R.
Identifiers: ClinVar variation 1462632 (VCV001462632.8), dbSNP rs2151724076, ClinGen allele CA393748906.

ClinVar aggregate classification (germline): Uncertain significance (1 of 4 stars; one submission).

Conditions:
Fanconi anemia (FA). Also called: Fanconi's anemia. Identifiers: Orphanet 84, MedGen C0015625, MeSH D005199, MONDO:0019391.

Submission:

Labcorp Genetics (formerly Invitae), Labcorp
Classification: Uncertain significance for Fanconi anemia. Last evaluated: 2021-03-16. Review status: criteria provided, single submitter. Criteria: Invitae Variant Classification Sherloc (09022015). Collection method: clinical testing. Allele origin: germline.
Comment: In summary, the available evidence is currently insufficient to determine the role of this variant in disease. Therefore, it has been classified as a Variant of Uncertain Significance. Algorithms developed to predict the effect of missense changes on protein structure and function are either unavailable or do not agree on the potential impact of this missense change (SIFT: "Deleterious"; PolyPhen-2: "Benign"; Align-GVGD: "Class C0"). This variant has not been reported in the literature in individuals with FANCI-related conditions. This variant is not present in population databases (ExAC no frequency). This sequence change replaces histidine with arginine at codon 673 of the FANCI protein (p.His673Arg). The histidine residue is highly conserved and there is a small physicochemical difference between histidine and arginine.